The following is an entry in ClinVar:

ClinVar aggregate classification (germline): Pathogenic (1 of 4 stars; one submission).

Submission:

ISCA Site 6
Classification: Pathogenic. Last evaluated: 2011-08-12. Review status: criteria provided, single submitter. Criteria: Kaminsky et al. (Genet Med. 2011). Collection method: clinical testing. Allele origin: unknown. Affected: yes. Observed: 1 variant allele.
Comment: Copy number variation identified through the course of routine clinical cytogenomic testing in postnatal populations. Clinical assertions have been curated as described in Kaminsky et al. 2011.

GRCh38/hg38 Xp22.31(chrX:6534166-8181150)x0

Genes: MIR4767 (microRNA 4767; plus strand), MIR651 (microRNA 651; plus strand), PNPLA4 (patatin like phospholipase domain containing 4; minus strand), PUDP (pseudouridine 5'-phosphatase; minus strand), STS (steroid sulfatase; plus strand) and 25 more. Cytogenetic location: Xp22.31.
Variant type: copy number loss.
Change: copy number 0 of chrX:6,534,166-8,181,150 (1.65 Mb, GRCh38 coordinates, 1-based), cytogenetic band Xp22.31.
Identifiers: ClinVar variation 59214 (VCV000059214.2).